The following is an entry in ClinVar:

ClinVar aggregate classification (germline): Uncertain significance (1 of 4 stars; one submission).

Submission:

Labcorp Genetics (formerly Invitae), Labcorp
Classification: Uncertain significance. Last evaluated: 2021-12-03. Review status: criteria provided, single submitter. Criteria: Invitae Variant Classification Sherloc (09022015). Collection method: clinical testing. Allele origin: germline.
Comment: This sequence change replaces phenylalanine, which is neutral and non-polar, with tyrosine, which is neutral and polar, at codon 1179 of the DUOX2 protein (p.Phe1179Tyr). This variant is not present in population databases (gnomAD no frequency). This variant has not been reported in the literature in individuals affected with DUOX2-related conditions. Advanced modeling of protein sequence and biophysical properties (such as structural, functional, and spatial information, amino acid conservation, physicochemical variation, residue mobility, and thermodynamic stability) performed at Invitae indicates that this missense variant is not expected to disrupt DUOX2 protein function. In summary, the available evidence is currently insufficient to determine the role of this variant in disease. Therefore, it has been classified as a Variant of Uncertain Significance.

NM_001363711.2(DUOX2):c.3536T>A (p.Phe1179Tyr)

Gene: DUOX2 (dual oxidase 2; minus strand). Cytogenetic location: 15q21.1.
Variant type: single nucleotide variant.
Coding change: c.3536T>A on transcript NM_001363711.2 (MANE Select); coding-DNA position 3536, T replaced by A.
Protein change: p.Phe1179Tyr; replaces phenylalanine 1179 with tyrosine.
Molecular consequence: missense variant.
Genome position (GRCh38, 1-based): chr15:45,098,038, A>T on the plus strand (T>A on the coding strand, the complement: DUOX2 is on the minus strand). VCF-style: chr15-45098038-A-T. GRCh37 (hg19) VCF-style: chr15-45390236-A-T.
Other names: c.3536T>A, p.Phe1179Tyr (NM_014080.5); short protein forms F1179Y.
Identifiers: ClinVar variation 1506834 (VCV001506834.6), dbSNP rs2141142386, ClinGen allele CA392258107.